The following is an entry in ClinVar:

ClinVar aggregate classification (germline): Benign/Likely benign. Review status: criteria provided, multiple submitters, no conflicts (2 of 4 stars). 5 submissions from 5 submitters: Benign (2); Likely benign (3). Last evaluated 2026-02-01.

Conditions:
Cardiovascular phenotype. Identifiers: MedGen CN230736.
Dilated cardiomyopathy 1JJ (CMD1JJ). Identifiers: Orphanet 154, MedGen C3808935, MONDO:0014095, OMIM 615235.

Allele frequency attached by ClinVar (database versions not stated): gnomAD exomes 0.00095; 1000 Genomes Project 0.00280; 1000 Genomes Project 30x 0.00250; gnomAD 0.00034 and 0.00011; ExAC 0.00115; TOPMed 0.00014.
gnomAD v4.1: 798 of 1,613,518 alleles (0.049%); highest among the groups gnomAD compares: South Asian, 0.73%; 7 homozygotes.

Submissions (5):

Labcorp Genetics (formerly Invitae), Labcorp
Classification: Benign for Dilated cardiomyopathy 1JJ. Last evaluated: 2026-02-01. Review status: criteria provided, single submitter. Criteria: Invitae Variant Classification Sherloc (09022015). Collection method: clinical testing. Allele origin: germline.

Blueprint Genetics
Classification: Likely benign. Last evaluated: 2024-11-07. Review status: criteria provided, single submitter. Criteria: ACMG Guidelines, 2015. Collection method: clinical testing. Allele origin: germline.

Ambry Genetics
Classification: Benign for Cardiovascular phenotype. Last evaluated: 2021-04-23. Review status: criteria provided, single submitter. Criteria: Ambry Variant Classification Scheme 2023. Collection method: clinical testing. Allele origin: germline.

Laboratory for Molecular Medicine, Mass General Brigham Personalized Medicine
Classification: Likely benign. Last evaluated: 2021-01-26. Review status: criteria provided, single submitter. Criteria: LMM Criteria. Collection method: clinical testing. Allele origin: germline. Observed: 4 variant alleles.
Comment: The p.Asp660Tyr variant in LAMA4 is classified as benign because it has been identified in 0.7% (216/30610) of South Asian chromosomes, including 2 homozygotes, by gnomAD. ACMG/AMP Criteria applied: BA1.

GeneDx
Classification: Likely benign. Last evaluated: 2018-02-28. Review status: criteria provided, single submitter. Criteria: GeneDx Variant Classification (06012015). Collection method: clinical testing. Allele origin: germline. Affected: yes.
Comment: This variant is considered likely benign or benign based on one or more of the following criteria: it is a conservative change, it occurs at a poorly conserved position in the protein, it is predicted to be benign by multiple in silico algorithms, and/or has population frequency not consistent with disease.

NM_001105206.3(LAMA4):c.1999G>T (p.Asp667Tyr)

Gene: LAMA4 (laminin subunit alpha 4; minus strand). Cytogenetic location: 6q21.
Variant type: single nucleotide variant.
Coding change: c.1999G>T on transcript NM_001105206.3 (MANE Select); coding-DNA position 1999, G replaced by T.
Protein change: p.Asp667Tyr; replaces aspartic acid 667 with tyrosine.
Molecular consequence: missense variant.
Genome position (GRCh38, 1-based): chr6:112,154,908, C>A on the plus strand (G>T on the coding strand, the complement: LAMA4 is on the minus strand). VCF-style: chr6-112154908-C-A. GRCh37 (hg19) VCF-style: chr6-112476110-C-A.
Other names: p.D660Y:GAT>TAT; c.1978G>T, p.Asp660Tyr (NM_001105207.3, NM_002290.5); short protein forms D660Y, D667Y.
Identifiers: ClinVar variation 44357 (VCV000044357.21), dbSNP rs397516720, ClinGen allele CA282366.
Genomic context (GRCh38, chr6:112,154,908, plus strand): 5'-TACTAGACTCTGCCTTTGCTTGCAGTTCTCTGGCTTGATTGAGGAGGTTCTCACTTTCAT[C>A]TTTATGGTAAATGATTTGAGTATCAATCCCACTCACCGCCTACAAAGGAATTGAGAGAAG-3'
Protein context (NP_001098676.2, residues 657-677): GIDTQIIYHK[Asp667Tyr]ESENLLNQAR